The following is an entry in ClinVar:

ClinVar aggregate classification (germline): Uncertain significance (1 of 4 stars; one submission).

Allele frequency attached by ClinVar (database versions not stated): gnomAD exomes below 0.00001.
gnomAD v4.1: 1 of 1,614,096 alleles (0.000062%); highest among the groups gnomAD compares: Non-Finnish European, 0.000085%; no homozygotes.

Submission:

Labcorp Genetics (formerly Invitae), Labcorp
Classification: Uncertain significance. Last evaluated: 2022-05-25. Review status: criteria provided, single submitter. Criteria: Invitae Variant Classification Sherloc (09022015). Collection method: clinical testing. Allele origin: germline.
Comment: In summary, the available evidence is currently insufficient to determine the role of this variant in disease. Therefore, it has been classified as a Variant of Uncertain Significance. Algorithms developed to predict the effect of missense changes on protein structure and function are either unavailable or do not agree on the potential impact of this missense change (SIFT: "Deleterious"; PolyPhen-2: "Not Available"; Align-GVGD: "Class C0"). This variant has not been reported in the literature in individuals affected with CLTC-related conditions. This variant is not present in population databases (gnomAD no frequency). This sequence change replaces isoleucine, which is neutral and non-polar, with valine, which is neutral and non-polar, at codon 888 of the CLTC protein (p.Ile888Val).

NM_004859.4(CLTC):c.2650A>G (p.Ile884Val)

Gene: CLTC (clathrin heavy chain; plus strand). Cytogenetic location: 17q23.1.
Variant type: single nucleotide variant.
Coding change: c.2650A>G on transcript NM_004859.4 (MANE Select); coding-DNA position 2650, A replaced by G.
Protein change: p.Ile884Val; replaces isoleucine 884 with valine.
Molecular consequence: missense variant.
Genome position (GRCh38, 1-based): chr17:59,677,042, A>G. VCF-style: chr17-59677042-A-G. GRCh37 (hg19) VCF-style: chr17-57754403-A-G.
Other names: c.2662A>G, p.Ile888Val (NM_001288653.2); short protein forms I884V, I888V.
Identifiers: ClinVar variation 1998503 (VCV001998503.4), dbSNP rs1033554362, ClinGen allele CA292113360.